The following is an entry in ClinVar:

ClinVar aggregate classification (germline): Likely benign. Review status: criteria provided, multiple submitters, no conflicts (2 of 4 stars). 3 submissions from 3 submitters: Likely benign (3). Last evaluated 2024-11-07.

Conditions:
Inborn genetic diseases. Identifiers: MedGen C0950123, MeSH D030342.

Submissions (3):

Blueprint Genetics
Classification: Likely benign. Last evaluated: 2024-11-07. Review status: criteria provided, single submitter. Criteria: ACMG Guidelines, 2015. Collection method: clinical testing. Allele origin: germline.

CeGaT Center for Human Genetics Tuebingen
Classification: Likely benign. Last evaluated: 2023-02-01. Review status: criteria provided, single submitter. Criteria: CeGaT Center For Human Genetics Tuebingen Variant Classification Criteria Version 2. Collection method: clinical testing. Allele origin: germline. Affected: yes. Observed: 1 variant allele.
Comment: CHD3: BS1

Ambry Genetics
Classification: Likely benign for Inborn genetic diseases. Last evaluated: 2021-06-16. Review status: criteria provided, single submitter. Criteria: Ambry Variant Classification Scheme 2023. Collection method: clinical testing. Allele origin: germline.

NM_001005271.3(CHD3):c.261_275del (p.Pro88_Pro92del)

Genes: CHD3 (chromodomain helicase DNA binding protein 3; plus strand), NAA38 (N-alpha-acetyltransferase 38, NatC auxiliary subunit; minus strand). Cytogenetic location: 17p13.1.
Variant type: Deletion.
Coding change: c.261_275del on transcript NM_001005271.3; coding-DNA positions 261 to 275, 15 bases deleted (GCCGCCCCCGCCGCC).
Protein change: p.Pro88_Pro92del.
Molecular consequence: inframe deletion. On other transcripts: intron variant (1).
Genome position (GRCh38, 1-based): chr17:7,885,067-7,885,081, GCCGCCCCCGCCGCC deleted; deleting any 15 consecutive bases within chr17:7,885,055-7,885,081 gives the same sequence; the c. name uses the placement nearest the transcript's 3' end. VCF-style (leftmost placement, unchanged base first): chr17-7885054-TGCCCCCGCCGCCGCC-T. GRCh37 (hg19) VCF-style: chr17-7788372-TGCCCCCGCCGCCGCC-T.
Other names: c.261_275del, p.Pro88_Pro92del (NM_001437504.1, NM_001437507.1, NM_001437508.1 and 1 more transcripts); c.-167+96_-167+110del (NM_001330111.2).
Identifiers: ClinVar variation 2348919 (VCV002348919.25), dbSNP rs1199030865, ClinGen allele CA775353610.
Genomic context (GRCh38, chr17:7,885,054, plus strand): 5'-ACCGCCACAGCCCCCCCGGCTGCCACCTCTTCCCGCCGCCGCCGCCGCCGCCGCCACCGC[TGCCCCCGCCGCCGCC>T]GCCCCCGCCGCCAGGTAAGCGCCCGCCCCGACTCCCCCCCCAAGCCCGAGTGGGAGCCGC-3'